The following is an entry in ClinVar:

NM_001385012.1(NBEA):c.8661+1G>A

Gene: NBEA (neurobeachin; plus strand). Cytogenetic location: 13q13.3.
Variant type: single nucleotide variant.
Coding change: c.8661+1G>A on transcript NM_001385012.1 (MANE Select); the canonical splice donor site of the intron after coding-DNA position 8661, G replaced by A.
Molecular consequence: splice donor variant.
Genome position (GRCh38, 1-based): chr13:35,667,571, G>A. VCF-style: chr13-35667571-G-A. GRCh37 (hg19) VCF-style: chr13-36241708-G-A.
Other names: c.8598+1G>A (NM_015678.5); c.8652+1G>A (NM_001379245.1); c.1977+1G>A (NM_001204197.3).
Identifiers: ClinVar variation 3900231 (VCV003900231.1).

ClinVar aggregate classification (germline): Pathogenic (1 of 4 stars; one submission).

Submission:

GeneDx
Classification: Pathogenic. Last evaluated: 2024-11-25. Review status: criteria provided, single submitter. Criteria: GeneDx Variant Classification Process June 2021. Collection method: clinical testing. Allele origin: germline. Affected: yes.
Comment: Canonical splice site variant predicted to result in a null allele in a gene for which loss-of-function is a known mechanism of disease; Not observed in large population cohorts (gnomAD); Has not been previously published as pathogenic or benign to our knowledge